The following is an entry in ClinVar:

ClinVar aggregate classification (germline): Likely benign. Review status: criteria provided, multiple submitters, no conflicts (2 of 4 stars). 2 submissions from 2 submitters: Likely benign (2). Last evaluated 2025-12-02.

Allele frequency attached by ClinVar (database versions not stated): TOPMed 0.00003; gnomAD exomes 0.00004 and 0.00006; gnomAD 0.00006 and 0.00007; ExAC 0.00007; ESP Exome Variant Server 0.00008.
gnomAD v4.1: 71 of 1,594,672 alleles (0.0045%); highest among the groups gnomAD compares: Middle Eastern, 0.017%; no homozygotes.

Submissions (3):

Labcorp Genetics (formerly Invitae), Labcorp
Classification: Likely benign. Last evaluated: 2025-12-02. Review status: criteria provided, single submitter. Criteria: Invitae Variant Classification Sherloc (09022015). Collection method: clinical testing. Allele origin: germline.

GeneDx
Classification: Likely benign. Last evaluated: 2018-02-12. Review status: criteria provided, single submitter. Criteria: GeneDx Variant Classification (06012015). Collection method: clinical testing. Allele origin: germline. Affected: yes.
Comment: This variant is considered likely benign or benign based on one or more of the following criteria: it is a conservative change, it occurs at a poorly conserved position in the protein, it is predicted to be benign by multiple in silico algorithms, and/or has population frequency not consistent with disease.

Dr. Peter K. Rogan Lab, Western University
No classification provided (evidence only). Condition: Familial cancer of breast. Review status: no classification provided. Collection method: in vitro. Allele origin: not applicable. Functional consequence: retained intron. Not counted in ClinVar's aggregate classification.

NM_020117.11(LARS1):c.2770-6G>A

Gene: LARS1 (leucyl-tRNA synthetase 1; minus strand). Cytogenetic location: 5q32.
Variant type: single nucleotide variant.
Coding change: c.2770-6G>A on transcript NM_020117.11 (MANE Select); 6 bases into the intron before coding-DNA position 2770, G replaced by A.
Molecular consequence: intron variant.
Genome position (GRCh38, 1-based): chr5:146,128,788, C>T on the plus strand (G>A on the coding strand, the complement: LARS1 is on the minus strand). VCF-style: chr5-146128788-C-T. GRCh37 (hg19) VCF-style: chr5-145508351-C-T.
Other names: c.2608-6G>A (NM_001317965.2); c.2689-6G>A (NM_016460.4); c.2632-6G>A (NM_001317964.2).
Identifiers: ClinVar variation 507948 (VCV000507948.9), dbSNP rs373663096, ClinGen allele CA3489227.